The following is an entry in ClinVar:

NM_032043.3(BRIP1):c.26C>G (p.Thr9Arg)

Gene: BRIP1 (BRCA1 interacting DNA helicase 1; minus strand). Cytogenetic location: 17q23.2.
Variant type: single nucleotide variant.
Coding change: c.26C>G on transcript NM_032043.3 (MANE Select); coding-DNA position 26, C replaced by G.
Protein change: p.Thr9Arg; replaces threonine 9 with arginine.
Molecular consequence: missense variant.
Genome position (GRCh38, 1-based): chr17:61,861,514, G>C on the plus strand (C>G on the coding strand, the complement: BRIP1 is on the minus strand). VCF-style: chr17-61861514-G-C. GRCh37 (hg19) VCF-style: chr17-59938875-G-C.
Other names: short protein forms T9R.
Identifiers: ClinVar variation 5033398 (VCV005033398.1).
Genomic context (GRCh38, chr17:61,861,514, plus strand): 5'-ATCATAGCAAGCTGTGACGGGTAAGCTTTATAAGGAAAGTAAATCTTCACCCCACCAATT[G>C]TATATTCAGACCACATTGAAGACATAGTGCTTTCCTGTTTATTTCAGATTCCTAACTACA-3'
Protein context (NP_114432.2, residues 1-19): MSSMWSEY[Thr9Arg]IGGVKIYFPY

ClinVar aggregate classification (germline): Uncertain significance (1 of 4 stars; one submission).

Conditions:
Hereditary cancer-predisposing syndrome. Also called: Neoplastic Syndromes, Hereditary; Tumor predisposition; Hereditary neoplastic syndrome; Hereditary Cancer Syndrome. Identifiers: Orphanet 140162, MedGen C0027672, MeSH D009386, MONDO:0015356.

Submission:

Ambry Genetics
Classification: Uncertain significance for Hereditary cancer-predisposing syndrome. Last evaluated: 2026-07-06. Review status: criteria provided, single submitter. Criteria: Ambry Variant Classification Scheme 2023. Collection method: clinical testing. Allele origin: germline.
Comment: The p.T9R variant (also known as c.26C>G), located in coding exon 1 of the BRIP1 gene, results from a C to G substitution at nucleotide position 26. The threonine at codon 9 is replaced by arginine, an amino acid with similar properties. This amino acid position is conserved. In addition, the in silico prediction for this alteration is inconclusive. Based on the available evidence, the clinical significance of this variant remains unclear.